The following is an entry in ClinVar:

NM_016203.4(PRKAG2):c.479C>T (p.Ser160Phe)

Gene: PRKAG2 (protein kinase AMP-activated non-catalytic subunit gamma 2; minus strand). Cytogenetic location: 7q36.1.
Variant type: single nucleotide variant.
Coding change: c.479C>T on transcript NM_016203.4 (MANE Select); coding-DNA position 479, C replaced by T.
Protein change: p.Ser160Phe; replaces serine 160 with phenylalanine.
Molecular consequence: missense variant. On other transcripts: intron variant (5).
Genome position (GRCh38, 1-based): chr7:151,675,625, G>A on the plus strand (C>T on the coding strand, the complement: PRKAG2 is on the minus strand). VCF-style: chr7-151675625-G-A. GRCh37 (hg19) VCF-style: chr7-151372711-G-A.
Other names: c.347C>T, p.Ser116Phe (NM_001040633.2, NM_001407024.1, NM_001407026.1 and 1 more transcripts); c.107C>T, p.Ser36Phe (NM_001304527.2, NM_001363698.2, NM_001407028.1 and 1 more transcripts); c.479C>T, p.Ser160Phe (NM_001407021.1, NM_001407022.1, NM_001407023.1); c.161C>T, p.Ser54Phe (NM_001407032.1); c.467-80174C>T (NM_001407031.1); c.467-80171C>T (NM_001407030.1); c.361-43487C>T (NM_001407033.1); c.94+60275C>T (NM_001407037.1); and 1 more; short protein forms S36F, S116F, S160F, S54F.
Identifiers: ClinVar variation 3309948 (VCV003309948.1).

ClinVar aggregate classification (germline): Uncertain significance (1 of 4 stars; one submission).

Conditions:
Cardiovascular phenotype. Identifiers: MedGen CN230736.

Submission:

Ambry Genetics
Classification: Uncertain significance for Cardiovascular phenotype. Last evaluated: 2024-06-23. Review status: criteria provided, single submitter. Criteria: Ambry Variant Classification Scheme 2023. Collection method: clinical testing. Allele origin: germline.
Comment: The p.S160F variant (also known as c.479C>T), located in coding exon 4 of the PRKAG2 gene, results from a C to T substitution at nucleotide position 479. The serine at codon 160 is replaced by phenylalanine, an amino acid with highly dissimilar properties. This amino acid position is conserved. In addition, the in silico prediction for this alteration is inconclusive. Based on the available evidence, the clinical significance of this variant remains unclear.